The following is an entry in ClinVar:

ClinVar aggregate classification (germline): Uncertain significance. Review status: criteria provided, multiple submitters, no conflicts (2 of 4 stars). 2 submissions from 2 submitters: Uncertain significance (2). Last evaluated 2025-12-09.

Allele frequency attached by ClinVar (database versions not stated): ExAC 0.00001; gnomAD 0.00001; gnomAD exomes 0.00001; TOPMed 0.00002; ESP Exome Variant Server 0.00008.
gnomAD v4.1: 17 of 1,613,192 alleles (0.0011%); highest among the groups gnomAD compares: Middle Eastern, 0.016%; no homozygotes.

Submissions (2):

Ambry Genetics
Classification: Uncertain significance. Last evaluated: 2025-12-09. Review status: criteria provided, single submitter. Criteria: Ambry Variant Classification Scheme 2023. Collection method: clinical testing. Allele origin: germline.

Labcorp Genetics (formerly Invitae), Labcorp
Classification: Uncertain significance. Last evaluated: 2023-03-20. Review status: criteria provided, single submitter. Criteria: Invitae Variant Classification Sherloc (09022015). Collection method: clinical testing. Allele origin: germline.
Comment: In summary, the available evidence is currently insufficient to determine the role of this variant in disease. Therefore, it has been classified as a Variant of Uncertain Significance. Advanced modeling of protein sequence and biophysical properties (such as structural, functional, and spatial information, amino acid conservation, physicochemical variation, residue mobility, and thermodynamic stability) performed at Invitae indicates that this missense variant is not expected to disrupt CRAT protein function. This variant has not been reported in the literature in individuals affected with CRAT-related conditions. This variant is present in population databases (rs370126379, gnomAD 0.003%). This sequence change replaces aspartic acid, which is acidic and polar, with asparagine, which is neutral and polar, at codon 572 of the CRAT protein (p.Asp572Asn).

NM_000755.5(CRAT):c.1714G>A (p.Asp572Asn)

Gene: CRAT (carnitine O-acetyltransferase; minus strand). Cytogenetic location: 9q34.11.
Variant type: single nucleotide variant.
Coding change: c.1714G>A on transcript NM_000755.5 (MANE Select); coding-DNA position 1714, G replaced by A.
Protein change: p.Asp572Asn; replaces aspartic acid 572 with asparagine.
Molecular consequence: missense variant.
Genome position (GRCh38, 1-based): chr9:129,095,564, C>T on the plus strand (G>A on the coding strand, the complement: CRAT is on the minus strand). VCF-style: chr9-129095564-C-T. GRCh37 (hg19) VCF-style: chr9-131857843-C-T.
Other names: c.1714G>A (NM_000755.3); c.1651G>A, p.Asp551Asn (NM_001257363.3, NM_004003.4); c.1717G>A, p.Asp573Asn (NM_001346546.2); c.1642G>A, p.Asp548Asn (NM_001346547.2); c.1579G>A, p.Asp527Asn (NM_001346548.2); c.1594G>A, p.Asp532Asn (NM_001346549.2); short protein forms D551N, D572N, D573N, D532N, D527N, D548N.
Identifiers: ClinVar variation 2979674 (VCV002979674.4), dbSNP rs370126379, ClinGen allele CA5275267.